The following is an entry in ClinVar:

NM_000371.4(TTR):c.336G>A (p.Glu112=)

Gene: TTR (transthyretin; plus strand). Cytogenetic location: 18q12.1.
Variant type: single nucleotide variant.
Coding change: c.336G>A on transcript NM_000371.4 (MANE Select); coding-DNA position 336, G replaced by A.
Protein change: p.Glu112=; no amino-acid change (glutamic acid 112 retained).
Molecular consequence: synonymous variant.
Genome position (GRCh38, 1-based): chr18:31,595,255, G>A. VCF-style: chr18-31595255-G-A. GRCh37 (hg19) VCF-style: chr18-29175218-G-A.
Identifiers: ClinVar variation 3231341 (VCV003231341.2), dbSNP rs775671906, ClinGen allele CA8928450.

ClinVar aggregate classification (germline): Uncertain significance. Review status: criteria provided, multiple submitters, no conflicts (2 of 4 stars). 2 submissions from 2 submitters: Uncertain significance (2). Last evaluated 2025-09-27.

Conditions:
Cardiovascular phenotype. Identifiers: MedGen CN230736.
Amyloidosis, hereditary systemic 1 (AMYLD1). Also called: Familial amyloid polyneuropathy; Transthyretin Amyloidosis; AMYLOID CARDIOMYOPATHY; Hereditary Transthyretin Amyloidosis; Hereditary oculoleptomeningeal amyloid angiopathy; Familial Transthyretin Amyloidosis. Identifiers: Orphanet 85447, Orphanet 85451, MedGen C2751492, MONDO:0971004, OMIM 105210.

Allele frequency attached by ClinVar (database versions not stated): ExAC 0.00001; gnomAD exomes 0.00001.
gnomAD v4.1: 9 of 1,614,142 alleles (0.00056%); highest among the groups gnomAD compares: Non-Finnish European, 0.00076%; no homozygotes.

Submissions (2):

Labcorp Genetics (formerly Invitae), Labcorp
Classification: Uncertain significance for Amyloidosis, hereditary systemic 1. Last evaluated: 2025-09-27. Review status: criteria provided, single submitter. Criteria: Invitae Variant Classification Sherloc (09022015). Collection method: clinical testing. Allele origin: germline.
Comment: This sequence change affects codon 112 of the TTR mRNA. It is a 'silent' change, meaning that it does not change the encoded amino acid sequence of the TTR protein. This variant also falls at the last nucleotide of exon 3, which is part of the consensus splice site for this exon. This variant is present in population databases (rs775671906, gnomAD 0.0009%). This variant has not been reported in the literature in individuals affected with TTR-related conditions. ClinVar contains an entry for this variant (Variation ID: 3231341). Variants that disrupt the consensus splice site are a relatively common cause of aberrant splicing (PMID: 17576681, 9536098). Algorithms developed to predict the effect of sequence changes on RNA splicing suggest that this variant is not likely to affect RNA splicing. In summary, the available evidence is currently insufficient to determine the role of this variant in disease. Therefore, it has been classified as a Variant of Uncertain Significance.

Ambry Genetics
Classification: Uncertain significance for Cardiovascular phenotype. Last evaluated: 2024-03-14. Review status: criteria provided, single submitter. Criteria: Ambry Variant Classification Scheme 2023. Collection method: clinical testing. Allele origin: germline.
Comment: The c.336G>A variant (also known as p.E112E) is located in coding exon 3 of the TTR gene. This variant results from a G to A substitution at nucleotide position 336. This nucleotide substitution does not change the glutamic acid at codon 112. However, this change occurs in the last base pair of coding exon 3, which makes it likely to have some effect on normal mRNA splicing. This nucleotide position is not well conserved in available vertebrate species. In silico splice site analysis predicts that this alteration will not have any significant effect on splicing. Based on the available evidence, the clinical significance of this alteration remains unclear. Based on the available evidence, the clinical significance of this alteration remains unclear.

Literature cited by the submitters: PubMed 17576681 (cited by Labcorp Genetics (formerly Invitae), Labcorp); PubMed 9536098 (cited by Labcorp Genetics (formerly Invitae), Labcorp).